The following is an entry in ClinVar:

ClinVar aggregate classification (germline): Uncertain significance (1 of 4 stars; one submission).

Conditions:
Inborn genetic diseases. Identifiers: MedGen C0950123, MeSH D030342.

Submission:

Ambry Genetics
Classification: Uncertain significance for Inborn genetic diseases. Last evaluated: 2025-06-26. Review status: criteria provided, single submitter. Criteria: Ambry Variant Classification Scheme 2023. Collection method: clinical testing. Allele origin: germline.
Comment: The p.G143A variant (also known as c.428G>C), located in coding exon 2 of the GATA2 gene, results from a G to C substitution at nucleotide position 428. The glycine at codon 143 is replaced by alanine, an amino acid with similar properties. This amino acid position is conserved. In addition, the in silico prediction for this alteration is inconclusive. Based on the available evidence, the clinical significance of this variant remains unclear.

NM_032638.5(GATA2):c.428G>C (p.Gly143Ala)

Gene: GATA2 (GATA binding protein 2; minus strand). Cytogenetic location: 3q21.3.
Variant type: single nucleotide variant.
Coding change: c.428G>C on transcript NM_032638.5 (MANE Select); coding-DNA position 428, G replaced by C.
Protein change: p.Gly143Ala; replaces glycine 143 with alanine.
Molecular consequence: missense variant.
Genome position (GRCh38, 1-based): chr3:128,486,170, C>G on the plus strand (G>C on the coding strand, the complement: GATA2 is on the minus strand). VCF-style: chr3-128486170-C-G. GRCh37 (hg19) VCF-style: chr3-128205013-C-G.
Other names: c.428G>C, p.Gly143Ala (NM_001145661.2, NM_001145662.1); short protein forms G143A.
Identifiers: ClinVar variation 4262118 (VCV004262118.1).